The following is an entry in ClinVar:

NM_001387283.1(SMARCA4):c.4234C>T (p.Arg1412Cys)

Gene: SMARCA4 (SWI/SNF related BAF chromatin remodeling complex subunit ATPase 4; plus strand). Cytogenetic location: 19p13.2.
Variant type: single nucleotide variant.
Coding change: c.4234C>T on transcript NM_001387283.1 (MANE Plus Clinical); coding-DNA position 4234, C replaced by T.
Protein change: p.Arg1412Cys; replaces arginine 1412 with cysteine.
Molecular consequence: missense variant. On other transcripts: intron variant (7).
Genome position (GRCh38, 1-based): chr19:11,039,521, C>T. VCF-style: chr19-11039521-C-T. GRCh37 (hg19) VCF-style: chr19-11150197-C-T.
Other names: c.4234C>T, p.Arg1412Cys (NM_001128849.3); c.4171-1786C>T (NM_001128844.3, NM_003072.5); c.4072-1786C>T (NM_001128847.4, NM_001374457.1, NM_001128848.2); c.4072-1777C>T (NM_001128845.2, NM_001128846.2); short protein forms R1412C.
Identifiers: ClinVar variation 238457 (VCV000238457.15), dbSNP rs747852149, ClinGen allele CA9204637.

ClinVar aggregate classification (germline): Conflicting classifications of pathogenicity. Review status: criteria provided, conflicting classifications (1 of 4 stars). 3 submissions from 3 submitters: Uncertain significance (2); Benign (1). Last evaluated 2025-11-01.

Conditions:
Hereditary cancer-predisposing syndrome. Also called: Neoplastic Syndromes, Hereditary; Hereditary neoplastic syndrome; Tumor predisposition; Hereditary Cancer Syndrome. Identifiers: Orphanet 140162, MedGen C0027672, MeSH D009386, MONDO:0015356.
Rhabdoid tumor predisposition syndrome 2 (RTPS2). Identifiers: Orphanet 231108, Orphanet 69077, MedGen C2750074, MONDO:0013224, OMIM 613325.

Allele frequency attached by ClinVar (database versions not stated): gnomAD 0.00001 and 0.00003; gnomAD exomes 0.00003; TOPMed 0.00003; ExAC 0.00006.
gnomAD v4.1: 31 of 1,602,292 alleles (0.0019%); highest among the groups gnomAD compares: South Asian, 0.016%; 1 homozygote.

Submissions (3):

Labcorp Genetics (formerly Invitae), Labcorp
Classification: Uncertain significance for Rhabdoid tumor predisposition syndrome 2. Last evaluated: 2025-11-01. Review status: criteria provided, single submitter. Criteria: Invitae Variant Classification Sherloc (09022015). Collection method: clinical testing. Allele origin: germline.
Comment: This sequence change replaces arginine, which is basic and polar, with cysteine, which is neutral and slightly polar, at codon 1412 of the SMARCA4 protein (p.Arg1412Cys). This variant is present in population databases (rs747852149, gnomAD 0.02%). This variant has not been reported in the literature in individuals affected with SMARCA4-related conditions. ClinVar contains an entry for this variant (Variation ID: 238457). An algorithm developed to predict the effect of missense changes on protein structure and function (PolyPhen-2) suggests that this variant is likely to be tolerated. RNA analysis performed to evaluate the impact of this missense change on mRNA splicing indicates it does not significantly alter splicing (internal data). In summary, the available evidence is currently insufficient to determine the role of this variant in disease. Therefore, it has been classified as a Variant of Uncertain Significance.

Ambry Genetics
Classification: Benign for Hereditary cancer-predisposing syndrome. Last evaluated: 2023-12-13. Review status: criteria provided, single submitter. Criteria: Ambry Variant Classification Scheme 2023. Collection method: clinical testing. Allele origin: germline.

GeneDx
Classification: Uncertain significance. Last evaluated: 2022-05-24. Review status: criteria provided, single submitter. Criteria: GeneDx Variant Classification Process June 2021. Collection method: clinical testing. Allele origin: germline. Affected: yes.
Comment: In silico analysis supports that this missense variant does not alter protein structure/function; Has not been previously published as pathogenic or benign to our knowledge